The following is an entry in ClinVar:

NM_004370.6(COL12A1):c.8354C>T (p.Pro2785Leu)

Gene: COL12A1 (collagen type XII alpha 1 chain; minus strand). Cytogenetic location: 6q13.
Variant type: single nucleotide variant.
Coding change: c.8354C>T on transcript NM_004370.6 (MANE Select); coding-DNA position 8354, C replaced by T.
Protein change: p.Pro2785Leu; replaces proline 2785 with leucine.
Molecular consequence: missense variant.
Genome position (GRCh38, 1-based): chr6:75,102,658, G>A on the plus strand (C>T on the coding strand, the complement: COL12A1 is on the minus strand). VCF-style: chr6-75102658-G-A. GRCh37 (hg19) VCF-style: chr6-75812374-G-A.
Other names: c.4862C>T, p.Pro1621Leu (NM_080645.3); short protein forms P1621L, P2785L.
Identifiers: ClinVar variation 1520193 (VCV001520193.7), dbSNP rs1160043441, ClinGen allele CA364739667.
Genomic context (GRCh38, chr6:75,102,658, plus strand): 5'-TGCTCTCCCGGAATAGAGAGTCCATTGGGTCCCTGAGGGCCTGGAGGACCCTGGGGGCCT[G>A]GAGGACCTATGTCTCCACGAGGACCAGGGGGCCCCTAAAATACACAAGAGAGAGACAACC-3'
Protein context (NP_004361.3, residues 2775-2795): PPGPRGDIGP[Pro2785Leu]GPQGPPGPQG

ClinVar aggregate classification (germline): Uncertain significance. Review status: criteria provided, multiple submitters, no conflicts (2 of 4 stars). 2 submissions from 2 submitters: Uncertain significance (2). Last evaluated 2022-07-05.

Conditions:
Ullrich congenital muscular dystrophy 2 (UCMD2). Identifiers: Orphanet 75840, MedGen C4225314, MONDO:0014654, OMIM 616470.
Bethlem myopathy 2 (BTHLM2). Identifiers: Orphanet 536516, Orphanet 610, MedGen C4225313, MONDO:0034022, OMIM 616471.

Allele frequency attached by ClinVar (database versions not stated): gnomAD exomes below 0.00001.
gnomAD v4.1: 5 of 1,571,800 alleles (0.00032%); highest among the groups gnomAD compares: Non-Finnish European, 0.00043%; no homozygotes.

Submissions (2):

GeneDx
Classification: Uncertain significance. Last evaluated: 2022-07-05. Review status: criteria provided, single submitter. Criteria: GeneDx Variant Classification Process June 2021. Collection method: clinical testing. Allele origin: germline. Affected: yes.
Comment: Not observed at significant frequency in large population cohorts (gnomAD); In silico analysis supports that this missense variant has a deleterious effect on protein structure/function; Has not been previously published as pathogenic or benign to our knowledge

Labcorp Genetics (formerly Invitae), Labcorp
Classification: Uncertain significance for Bethlem myopathy 2; Ullrich congenital muscular dystrophy 2. Last evaluated: 2022-07-05. Review status: criteria provided, single submitter. Criteria: Invitae Variant Classification Sherloc (09022015). Collection method: clinical testing. Allele origin: germline.
Comment: In summary, the available evidence is currently insufficient to determine the role of this variant in disease. Therefore, it has been classified as a Variant of Uncertain Significance. Algorithms developed to predict the effect of missense changes on protein structure and function are either unavailable or do not agree on the potential impact of this missense change (SIFT: "Deleterious"; PolyPhen-2: "Probably Damaging"; Align-GVGD: "Class C0"). ClinVar contains an entry for this variant (Variation ID: 1520193). This variant has not been reported in the literature in individuals affected with COL12A1-related conditions. This variant is present in population databases (no rsID available, gnomAD 0.001%). This sequence change replaces proline, which is neutral and non-polar, with leucine, which is neutral and non-polar, at codon 2785 of the COL12A1 protein (p.Pro2785Leu).